The following is an entry in ClinVar:

ClinVar aggregate classification (germline): Pathogenic (1 of 4 stars; one submission).

Conditions:
Cerebral cavernous malformation (CCM). Also called: CAVERNOUS ANGIOMA, FAMILIAL; CAVERNOUS ANGIOMATOUS MALFORMATIONS; CEREBRAL CAPILLARY MALFORMATIONS; Cerebral cavernous hemangioma (type); Cavernous Hemangioma of Brain; Cerebral cavernous malformations. Identifiers: Orphanet 221061, MedGen C2919945, MONDO:0000820, OMIM 116860, HP:0033522.

Submission:

Labcorp Genetics (formerly Invitae), Labcorp
Classification: Pathogenic for Cerebral cavernous malformation. Last evaluated: 2024-01-18. Review status: criteria provided, single submitter. Criteria: Invitae Variant Classification Sherloc (09022015). Collection method: clinical testing. Allele origin: germline.
Comment: This variant is a gross deletion of the genomic region encompassing exon(s) 10-11 of the KRIT1 gene. This deletion is out-of-frame, and is expected to create a premature termination codon and result in an absent or disrupted protein product. Loss-of-function variants in KRIT1 are known to be pathogenic (PMID: 10508515, 11222804, 12404106, 24689081). This variant has not been reported in the literature in individuals affected with KRIT1-related conditions. For these reasons, this variant has been classified as Pathogenic.

Literature cited by the submitters: PubMed 10508515; PubMed 11222804; PubMed 12404106; PubMed 24689081.

NC_000007.14:g.(?_92234429)_(92234943_?)del

Gene: KRIT1 (KRIT1 ankyrin repeat containing; minus strand). Cytogenetic location: 7q21.2.
Variant type: Deletion.
Identifiers: ClinVar variation 832611 (VCV000832611.7).